The following is an entry in ClinVar:

NM_001349253.2(SCN11A):c.4933G>C (p.Ala1645Pro)

Gene: SCN11A (sodium voltage-gated channel alpha subunit 11; minus strand). Cytogenetic location: 3p22.2.
Variant type: single nucleotide variant.
Coding change: c.4933G>C on transcript NM_001349253.2 (MANE Select); coding-DNA position 4933, G replaced by C.
Protein change: p.Ala1645Pro; replaces alanine 1645 with proline.
Molecular consequence: missense variant.
Genome position (GRCh38, 1-based): chr3:38,847,137, C>G on the plus strand (G>C on the coding strand, the complement: SCN11A is on the minus strand). VCF-style: chr3-38847137-C-G. GRCh37 (hg19) VCF-style: chr3-38888628-C-G.
Other names: c.4933G>C, p.Ala1645Pro (NM_014139.3); short protein forms A1645P.
Identifiers: ClinVar variation 2950211 (VCV002950211.3), dbSNP rs2064683504, ClinGen allele CA352162010.

ClinVar aggregate classification (germline): Uncertain significance (1 of 4 stars; one submission).

Conditions:
Familial episodic pain syndrome with predominantly lower limb involvement. Also called: Episodic pain syndrome, familial, 3. Identifiers: Orphanet 391384, Orphanet 391392, MedGen C3809899, MONDO:0014247, OMIM 615552.
Hereditary sensory and autonomic neuropathy type 7. Also called: HSAN VII; Neuropathy, hereditary sensory and autonomic, type VII. Identifiers: Orphanet 391397, MedGen C3809882, MONDO:0014244, OMIM 615548.

gnomAD v4.1: 16 of 1,614,190 alleles (0.00099%); highest among the groups gnomAD compares: Non-Finnish European, 0.0013%; no homozygotes.

Submission:

Labcorp Genetics (formerly Invitae), Labcorp
Classification: Uncertain significance for Familial episodic pain syndrome with predominantly lower limb involvement; Hereditary sensory and autonomic neuropathy type 7. Last evaluated: 2023-03-07. Review status: criteria provided, single submitter. Criteria: Invitae Variant Classification Sherloc (09022015). Collection method: clinical testing. Allele origin: germline.
Comment: This sequence change replaces alanine, which is neutral and non-polar, with proline, which is neutral and non-polar, at codon 1645 of the SCN11A protein (p.Ala1645Pro). This variant is not present in population databases (gnomAD no frequency). This variant has not been reported in the literature in individuals affected with SCN11A-related conditions. Advanced modeling of protein sequence and biophysical properties (such as structural, functional, and spatial information, amino acid conservation, physicochemical variation, residue mobility, and thermodynamic stability) performed at Invitae indicates that this missense variant is expected to disrupt SCN11A protein function. In summary, the available evidence is currently insufficient to determine the role of this variant in disease. Therefore, it has been classified as a Variant of Uncertain Significance.